The following is an entry in ClinVar:

ClinVar aggregate classification (germline): Likely benign (0 of 4 stars; one submission).

Conditions:
DGKQ-related disorder. Also called: DGKQ-related condition.

Allele frequency attached by ClinVar (database versions not stated): gnomAD 0.00005; TOPMed 0.00006; ExAC 0.00007; ESP Exome Variant Server 0.00008; 1000 Genomes Project 30x 0.00016; 1000 Genomes Project 0.00020.
gnomAD v4.1: 155 of 1,542,294 alleles (0.01%); highest among the groups gnomAD compares: South Asian, 0.014%; no homozygotes.

Submission:

PreventionGenetics, part of Exact Sciences
Classification: Likely benign for DGKQ-related condition. Last evaluated: 2019-07-11. Review status: no assertion criteria provided. Collection method: clinical testing. Allele origin: germline.
Comment: This variant is classified as likely benign based on ACMG/AMP sequence variant interpretation guidelines (Richards et al. 2015 PMID: 25741868, with internal and published modifications).

NM_001347.4(DGKQ):c.2575-7G>A

Gene: DGKQ (diacylglycerol kinase theta; minus strand). Cytogenetic location: 4p16.3.
Variant type: single nucleotide variant.
Coding change: c.2575-7G>A on transcript NM_001347.4 (MANE Select); 7 bases into the intron before coding-DNA position 2575, G replaced by A.
Molecular consequence: intron variant.
Genome position (GRCh38, 1-based): chr4:961,208, C>T on the plus strand (G>A on the coding strand, the complement: DGKQ is on the minus strand). VCF-style: chr4-961208-C-T. GRCh37 (hg19) VCF-style: chr4-954996-C-T.
Identifiers: ClinVar variation 3050037 (VCV003050037.2), dbSNP rs369222961, ClinGen allele CA2799842.